The following is an entry in ClinVar:

NM_000888.5(ITGB6):c.676del (p.Ile226fs)

Gene: ITGB6 (integrin subunit beta 6; minus strand). Cytogenetic location: 2q24.2.
Variant type: Deletion.
Coding change: c.676del on transcript NM_000888.5 (MANE Select); coding-DNA position 676, one base deleted (A; older notation c.676delA).
Protein change: p.Ile226fs; shifts the reading frame from isoleucine 226.
Molecular consequence: frameshift variant.
Genome position (GRCh38, 1-based): chr2:160,174,057, T deleted on the plus strand (A on the coding strand, the reverse complement: ITGB6 is on the minus strand); the first of 3 consecutive T bases (chr2:160,174,057-160,174,059); deleting any one gives the same sequence. VCF-style (leftmost placement, unchanged base first): chr2-160174056-AT-A. GRCh37 (hg19) VCF-style: chr2-161030567-AT-A.
Other names: c.676del, p.Ile226fs (NM_001282353.2, NM_001282355.2); c.391del, p.Ile131fs (NM_001282354.2); c.550del, p.Ile184fs (NM_001282388.2); c.457del, p.Ile153fs (NM_001282389.2); c.262del, p.Ile88fs (NM_001282390.2); short protein forms I153fs, I184fs, I226fs, I131fs, I88fs.
Identifiers: ClinVar variation 667250 (VCV000667250.4), dbSNP rs1179156887, ClinGen allele CA537507000.

ClinVar aggregate classification (germline): Uncertain significance (1 of 4 stars; one submission).

Submission:

Laboratory for Molecular Medicine, Mass General Brigham Personalized Medicine
Classification: Uncertain significance. Last evaluated: 2018-08-13. Review status: criteria provided, single submitter. Criteria: LMM Criteria. Collection method: clinical testing. Allele origin: germline. Observed: 1 variant allele.
Comment: Variant classified as Uncertain Significance - Favor Pathogenic. The p.Ile226Leu fsX2 variant in ITGB6 has not been previously reported in individuals with amelo genesis imperfecta, but has been identified in 1/8726 of African chromosomes by the Genome Aggregation Database (gnomAD). This variant is predicted to cause a frameshift, which alters the protein?s amino ac id sequence beginning at position 226 and leads to a premature termination codon 2 amino acids downstream. This alteration is then predicted to lead to a trunca ted or absent protein. Biallelic loss of function of ITGB6 has been associated w ith amelogenesis imperfecta in at least 1 individual (Wang 2014), and the eviden ce for gene disease association is moderate. In summary, while there is some sus picion for a pathogenic role, the clinical significance of the p.Ile226LeufsX2 v ariant is uncertain. ACMG/AMP Criteria applied: PVS1_Moderate, PM2.

Literature cited by the submitters: PubMed 24305999.